The following is an entry in ClinVar:

ClinVar aggregate classification (germline): Likely pathogenic (1 of 4 stars; one submission).

Submission:

GeneDx
Classification: Likely pathogenic. Last evaluated: 2025-10-08. Review status: criteria provided, single submitter. Criteria: GeneDx Variant Classification Process June 2021. Collection method: clinical testing. Allele origin: germline.
Comment: Not observed at significant frequency in large population cohorts (gnomAD); In silico analysis supports that this missense variant has a deleterious effect on protein structure/function; Has not been previously published as pathogenic or benign to our knowledge

NM_004521.3(KIF5B):c.2565T>A (p.Asp855Glu)

Gene: KIF5B (kinesin family member 5B; minus strand). Cytogenetic location: 10p11.22.
Variant type: single nucleotide variant.
Coding change: c.2565T>A on transcript NM_004521.3 (MANE Select); coding-DNA position 2565, T replaced by A.
Protein change: p.Asp855Glu; replaces aspartic acid 855 with glutamic acid.
Molecular consequence: missense variant.
Genome position (GRCh38, 1-based): chr10:32,017,339, A>T on the plus strand (T>A on the coding strand, the complement: KIF5B is on the minus strand). VCF-style: chr10-32017339-A-T. GRCh37 (hg19) VCF-style: chr10-32306267-A-T.
Other names: short protein forms D855E.
Identifiers: ClinVar variation 3342671 (VCV003342671.2).